The following is an entry in ClinVar:

NM_004655.4(AXIN2):c.940A>G (p.Met314Val)

Gene: AXIN2 (axin 2; minus strand). Cytogenetic location: 17q24.1.
Variant type: single nucleotide variant.
Coding change: c.940A>G on transcript NM_004655.4 (MANE Select); coding-DNA position 940, A replaced by G.
Protein change: p.Met314Val; replaces methionine 314 with valine.
Molecular consequence: missense variant.
Genome position (GRCh38, 1-based): chr17:65,549,536, T>C on the plus strand (A>G on the coding strand, the complement: AXIN2 is on the minus strand). VCF-style: chr17-65549536-T-C. GRCh37 (hg19) VCF-style: chr17-63545654-T-C.
Other names: c.940A>G, p.Met314Val (NM_001363813.1); c.940A>G (LRG_296t1); short protein forms M314V.
Identifiers: ClinVar variation 533220 (VCV000533220.22), dbSNP rs778252248, ClinGen allele CA8718939.
Genomic context (GRCh38, chr17:65,549,536, plus strand): 5'-TCCACTCCCAAGCAAGCCCACGGAAGGGTGGCCAGGATACTCACACACTGCTGTCCGTCA[T>C]GGACATGGAATCATCCGTCAGCGCATCACTGGATATCTCACTGTCGTTGGCGCTGGTGGC-3'
Protein context (NP_004646.3, residues 304-324): SDALTDDSMS[Met314Val]TDSSVDGIPP

ClinVar aggregate classification (germline): Uncertain significance. Review status: criteria provided, multiple submitters, no conflicts (2 of 4 stars). 6 submissions from 6 submitters: Uncertain significance (6). Last evaluated 2025-05-29.

Conditions:
Colorectal cancer. Also called: Colorectal cancer, somatic; Malignant Colorectal Neoplasm. Identifiers: MedGen C0346629, MONDO:0005575, OMIM 114500.
Oligodontia-cancer predisposition syndrome. Also called: TOOTH AGENESIS-COLORECTAL CANCER SYNDROME. Identifiers: Orphanet 300576, MedGen C1837750, MONDO:0012075, OMIM 608615. Disease mechanism: loss of function.
Hereditary cancer-predisposing syndrome. Also called: Hereditary neoplastic syndrome; Neoplastic Syndromes, Hereditary; Tumor predisposition; Hereditary Cancer Syndrome. Identifiers: Orphanet 140162, MedGen C0027672, MeSH D009386, MONDO:0015356.

Allele frequency attached by ClinVar (database versions not stated): gnomAD exomes below 0.00001 and 0.00001; gnomAD 0.00001; TOPMed 0.00001; ExAC 0.00002.
gnomAD v4.1: 6 of 1,612,600 alleles (0.00037%); highest among the groups gnomAD compares: Admixed American, 0.0033%; no homozygotes.

Submissions (6):

GeneDx
Classification: Uncertain significance. Last evaluated: 2025-05-29. Review status: criteria provided, single submitter. Criteria: GeneDx Variant Classification Process June 2021. Collection method: clinical testing. Allele origin: germline. Affected: yes.
Comment: Not observed at significant frequency in large population cohorts (gnomAD); In silico analysis suggests that this missense variant does not alter protein structure/function; Has not been previously published as pathogenic or benign to our knowledge

Center for Genomic Medicine, Rigshospitalet, Copenhagen University Hospital
Classification: Uncertain significance. Last evaluated: 2025-03-04. Review status: criteria provided, single submitter. Criteria: ACMG Guidelines, 2015. Collection method: clinical testing. Allele origin: germline.

Labcorp Genetics (formerly Invitae), Labcorp
Classification: Uncertain significance for Oligodontia-cancer predisposition syndrome. Last evaluated: 2025-01-15. Review status: criteria provided, single submitter. Criteria: Invitae Variant Classification Sherloc (09022015). Collection method: clinical testing. Allele origin: germline.
Comment: This sequence change replaces methionine, which is neutral and non-polar, with valine, which is neutral and non-polar, at codon 314 of the AXIN2 protein (p.Met314Val). This variant is present in population databases (rs778252248, gnomAD 0.003%). This variant has not been reported in the literature in individuals affected with AXIN2-related conditions. ClinVar contains an entry for this variant (Variation ID: 533220). Invitae Evidence Modeling of protein sequence and biophysical properties (such as structural, functional, and spatial information, amino acid conservation, physicochemical variation, residue mobility, and thermodynamic stability) indicates that this missense variant is not expected to disrupt AXIN2 protein function with a negative predictive value of 80%. In summary, the available evidence is currently insufficient to determine the role of this variant in disease. Therefore, it has been classified as a Variant of Uncertain Significance.

Ambry Genetics
Classification: Uncertain significance for Hereditary cancer-predisposing syndrome. Last evaluated: 2024-10-23. Review status: criteria provided, single submitter. Criteria: Ambry Variant Classification Scheme 2023. Collection method: clinical testing. Allele origin: germline.
Comment: The p.M314V variant (also known as c.940A>G), located in coding exon 2 of the AXIN2 gene, results from an A to G substitution at nucleotide position 940. The methionine at codon 314 is replaced by valine, an amino acid with highly similar properties. This amino acid position is well conserved in available vertebrate species. In addition, this alteration is predicted to be tolerated by in silico analysis. Since supporting evidence is limited at this time, the clinical significance of this alteration remains unclear.

Quest Diagnostics Nichols Institute San Juan Capistrano
Classification: Uncertain significance. Last evaluated: 2023-10-03. Review status: criteria provided, single submitter. Criteria: Quest Diagnostics criteria. Collection method: clinical testing. Allele origin: unknown.

Baylor Genetics
Classification: Uncertain significance for Colorectal cancer. Last evaluated: 2023-07-09. Review status: criteria provided, single submitter. Criteria: ACMG Guidelines, 2015. Collection method: clinical testing. Allele origin: unknown.